The following is an entry in ClinVar:

ClinVar aggregate classification (germline): Likely benign (1 of 4 stars; one submission).

Allele frequency attached by ClinVar (database versions not stated): gnomAD exomes below 0.00001; ExAC 0.00001.

Submission:

GeneDx
Classification: Likely benign. Last evaluated: 2018-05-22. Review status: criteria provided, single submitter. Criteria: GeneDx Variant Classification (06012015). Collection method: clinical testing. Allele origin: germline. Affected: yes.
Comment: This variant is considered likely benign or benign based on one or more of the following criteria: it is a conservative change, it occurs at a poorly conserved position in the protein, it is predicted to be benign by multiple in silico algorithms, and/or has population frequency not consistent with disease.

NM_001042432.2(CLN3):c.907-19del

Gene: CLN3 (CLN3 lysosomal/endosomal transmembrane protein, battenin; minus strand). Cytogenetic location: 16p12.1.
Variant type: Deletion.
Coding change: c.907-19del on transcript NM_001042432.2 (MANE Select); 19 bases into the intron before coding-DNA position 907, one base deleted (T; older notation c.907-19delT).
Molecular consequence: intron variant.
Genome position (GRCh38, 1-based): chr16:28,482,401, A deleted on the plus strand (T on the coding strand, the reverse complement: CLN3 is on the minus strand). VCF-style (leftmost placement, unchanged base first): chr16-28482400-CA-C. GRCh37 (hg19) VCF-style: chr16-28493721-CA-C.
Other names: c.673-19del (NM_001286109.2); c.835-19del (NM_001286104.2); c.607-19del (NM_001286105.2); c.745-19del (NM_001286110.2); c.907-19del (NM_000086.2); c.907-19delT (NM_001042432.1).
Identifiers: ClinVar variation 668507 (VCV000668507.1), dbSNP rs749233275, ClinGen allele CA7980760.